The following is an entry in ClinVar:

NM_001830.4(CLCN4):c.1444A>G (p.Met482Val)

Gene: CLCN4 (Cl-/H+ antiporter 4; plus strand). Cytogenetic location: Xp22.2.
Variant type: single nucleotide variant.
Coding change: c.1444A>G on transcript NM_001830.4 (MANE Select); coding-DNA position 1444, A replaced by G.
Protein change: p.Met482Val; replaces methionine 482 with valine.
Molecular consequence: missense variant.
Genome position (GRCh38, 1-based): chrX:10,212,521, A>G. VCF-style: chrX-10212521-A-G. GRCh37 (hg19) VCF-style: chrX-10180561-A-G.
Other names: c.1162A>G, p.Met388Val (NM_001256944.2); short protein forms M482V, M388V.
Identifiers: ClinVar variation 2843053 (VCV002843053.10), dbSNP rs2518887986, ClinGen allele CA412040730.
Genomic context (GRCh38, chrX:10,212,521, plus strand): 5'-CTCAAGATCCCGTCGGGCCTCTTCATCCCCAGCATGGCTGTGGGCGCGATAGCGGGCAGG[A>G]TGGTGGGAATTGGCGTGGAGCAGCTGGCCTACCATCACCATGACTGGATCATCTTCAGGA-3'
Protein context (NP_001821.2, residues 472-492): SMAVGAIAGR[Met482Val]VGIGVEQLAY

ClinVar aggregate classification (germline): Uncertain significance. Review status: criteria provided, multiple submitters, no conflicts (2 of 4 stars). 2 submissions from 2 submitters: Uncertain significance (2). Last evaluated 2025-09-01.

Submissions (2):

CeGaT Center for Human Genetics Tuebingen
Classification: Uncertain significance. Last evaluated: 2025-09-01. Review status: criteria provided, single submitter. Criteria: CeGaT Center For Human Genetics Tuebingen Variant Classification Criteria Version 2. Collection method: clinical testing. Allele origin: germline. Affected: yes. Observed: 1 variant allele.
Comment: CLCN4: PM2

Labcorp Genetics (formerly Invitae), Labcorp
Classification: Uncertain significance. Last evaluated: 2023-03-04. Review status: criteria provided, single submitter. Criteria: Invitae Variant Classification Sherloc (09022015). Collection method: clinical testing. Allele origin: germline.
Comment: In summary, the available evidence is currently insufficient to determine the role of this variant in disease. Therefore, it has been classified as a Variant of Uncertain Significance. This sequence change replaces methionine, which is neutral and non-polar, with valine, which is neutral and non-polar, at codon 482 of the CLCN4 protein (p.Met482Val). This variant is not present in population databases (gnomAD no frequency). This variant has not been reported in the literature in individuals affected with CLCN4-related conditions. Advanced modeling of protein sequence and biophysical properties (such as structural, functional, and spatial information, amino acid conservation, physicochemical variation, residue mobility, and thermodynamic stability) performed at Invitae indicates that this missense variant is not expected to disrupt CLCN4 protein function.